The following is an entry in ClinVar:

ClinVar aggregate classification (germline): Uncertain significance (1 of 4 stars; one submission).

Submission:

GeneDx
Classification: Uncertain significance. Last evaluated: 2026-03-27. Review status: criteria provided, single submitter. Criteria: GeneDx Variant Classification Process June 2021. Collection method: clinical testing. Allele origin: germline.
Comment: Not observed at significant frequency in large population cohorts (gnomAD); In silico analysis supports that this missense variant has a deleterious effect on protein structure/function; Has not been previously published as pathogenic or benign to our knowledge

NM_002764.4(PRPS1):c.794G>A (p.Cys265Tyr)

Gene: PRPS1 (phosphoribosyl pyrophosphate synthetase 1; plus strand). Cytogenetic location: Xq22.3.
Variant type: single nucleotide variant.
Coding change: c.794G>A on transcript NM_002764.4 (MANE Select); coding-DNA position 794, G replaced by A.
Protein change: p.Cys265Tyr; replaces cysteine 265 with tyrosine.
Molecular consequence: missense variant.
Genome position (GRCh38, 1-based): chrX:107,647,695, G>A. VCF-style: chrX-107647695-G-A. GRCh37 (hg19) VCF-style: chrX-106890925-G-A.
Other names: c.182G>A, p.Cys61Tyr (NM_001204402.2); short protein forms C265Y, C61Y.
Identifiers: ClinVar variation 5017264 (VCV005017264.1).
Genomic context (GRCh38, chrX:107,647,695, plus strand): 5'-ATGCCATCTTGACTCATGGAATCTTCTCCGGTCCTGCTATTTCTCGCATCAACAACGCAT[G>A]CTTTGAGGCAGTAGTAGTCACCAATACCATACCTCAGGAGGACAAGATGAAGCATTGCTC-3'
Protein context (NP_002755.1, residues 255-275): GPAISRINNA[Cys265Tyr]FEAVVVTNTI